The following is an entry in ClinVar:

NM_001042492.3(NF1):c.4747G>T (p.Glu1583Ter)

Gene: NF1 (neurofibromin 1; plus strand). Cytogenetic location: 17q11.2.
Variant type: single nucleotide variant.
Coding change: c.4747G>T on transcript NM_001042492.3 (MANE Select); coding-DNA position 4747, G replaced by T.
Protein change: p.Glu1583Ter; replaces glutamic acid 1583 with a stop codon.
Molecular consequence: nonsense.
Genome position (GRCh38, 1-based): chr17:31,265,251, G>T. VCF-style: chr17-31265251-G-T. GRCh37 (hg19) VCF-style: chr17-29592269-G-T.
Other names: c.4684G>T, p.Glu1562Ter (NM_000267.4); short protein forms E1583*, E1562*.
Identifiers: ClinVar variation 971976 (VCV000971976.12), dbSNP rs2067765099, ClinGen allele CA399001198.

ClinVar aggregate classification (germline): Pathogenic. Review status: criteria provided, multiple submitters, no conflicts (2 of 4 stars). 4 submissions from 4 submitters: Pathogenic (4). Last evaluated 2025-11-24.
ClinVar aggregate classification (oncogenicity): Oncogenic (1 of 4 stars; one submission).

Conditions:
Neurofibromatosis, type 1 (NF1). Also called: Neurofibromatosis, type I; VON RECKLINGHAUSEN DISEASE; NEUROFIBROMATOSIS, TYPE I, SOMATIC; Peripheral type neurofibromatosis. Identifiers: Orphanet 636, MedGen C0027831, MONDO:0018975, OMIM 162200. Disease mechanism: loss of function.
Neoplasm. Also called: tumor; Neoplasms; Neoplasm (disease). Identifiers: MedGen C0027651, MeSH D009369, MONDO:0005070, HP:0002664.

Submissions (5):

Center for Genomic Medicine, Rigshospitalet, Copenhagen University Hospital
Classification: Oncogenic for Neoplasm. Last evaluated: 2026-10-16. Review status: criteria provided, single submitter. Criteria: ClinGen/CGC/VICC Guidelines for Oncogenicity, 2022. Collection method: clinical testing. Allele origin: somatic. Affected: yes.

Labcorp Genetics (formerly Invitae), Labcorp
Classification: Pathogenic for Neurofibromatosis, type 1. Last evaluated: 2025-11-24. Review status: criteria provided, single submitter. Criteria: Invitae Variant Classification Sherloc (09022015). Collection method: clinical testing. Allele origin: germline.
Comment: This sequence change creates a premature translational stop signal (p.Glu1562*) in the NF1 gene. It is expected to result in an absent or disrupted protein product. Loss-of-function variants in NF1 are known to be pathogenic (PMID: 10712197, 23913538). This variant is not present in population databases (gnomAD no frequency). This premature translational stop signal has been observed in individual(s) with clinical features of NF1-related conditions (PMID: 32575496). ClinVar contains an entry for this variant (Variation ID: 971976). For these reasons, this variant has been classified as Pathogenic.

GeneDx
Classification: Pathogenic. Last evaluated: 2024-05-24. Review status: criteria provided, single submitter. Criteria: GeneDx Variant Classification Process June 2021. Collection method: clinical testing. Allele origin: germline. Affected: yes.
Comment: Nonsense variant predicted to result in protein truncation or nonsense mediated decay in a gene for which loss of function is a known mechanism of disease; Not observed at significant frequency in large population cohorts (gnomAD); This variant is associated with the following publications: (PMID: 32575496, 31766501)

Genome-Nilou Lab
Classification: Pathogenic for Neurofibromatosis, type 1. Last evaluated: 2022-03-15. Review status: criteria provided, single submitter. Criteria: ACMG Guidelines, 2015. Collection method: clinical testing. Allele origin: germline. Affected: no.

Genome Diagnostics Laboratory, The Hospital for Sick Children
Classification: Pathogenic for Neurofibromatosis, type 1. Last evaluated: 2020-10-26. Review status: criteria provided, single submitter. Criteria: ACMG Guidelines, 2015. Collection method: clinical testing. Allele origin: germline. Affected: yes.

Literature cited by the submitters: PubMed 10712197 (cited by Labcorp Genetics (formerly Invitae), Labcorp); PubMed 23913538 (cited by Labcorp Genetics (formerly Invitae), Labcorp); PubMed 32575496 (cited by Labcorp Genetics (formerly Invitae), Labcorp).